The following continues an entry in ClinVar:

NM_000256.3(MYBPC3):c.1591G>A (p.Gly531Arg)

Gene: MYBPC3. ClinVar aggregate classification (germline): Conflicting classifications of pathogenicity. Pathogenic (1); Likely pathogenic (21); Uncertain significance (1).

Submissions 19 to 26 of 26:

Revvity Omics, Revvity
Classification: Likely pathogenic. Last evaluated: 2022-01-04. Review status: criteria provided, single submitter. Criteria: ACMG Guidelines, 2015. Collection method: clinical testing. Allele origin: germline.

Laboratory for Molecular Medicine, Mass General Brigham Personalized Medicine
Classification: Likely pathogenic for Hypertrophic cardiomyopathy. Last evaluated: 2021-11-11. Review status: criteria provided, single submitter. Criteria: ACMG Guidelines, 2015. Collection method: clinical testing. Allele origin: germline. Inheritance: Autosomal dominant inheritance.
Comment: The p.Gly531Arg variant in MYBPC3 has been reported in association with two distinct nucleotide changes: c.1591G>C and c.1591G>A. Considering both nucleotide changes, this variant has been reported in 1 individual with dilated cardiomyopathy (DCM; c.1591G>A; Waldmuller 2011 PMID: 21750094) and in over 10 individuals with hypertrophic cardiomyopathy (HCM; c.1591G>A: Girolami 2006 PMID: 16858239, Olivotto 2008 PMID: 18533079, Garcia-Castro 2009 PMID: 19150014, Michels 2011, Waldmuller 2011 PMID: 21750094, Walsh 2017 PMID: 27532257, LMM data; c.1591G>C: Millat 2010 PMID: 20624503, Olivotto 2011 PMID: 21835320, Coto 2012 PMID: 22765922, Rubattu 2016 PMID: 27483260, LMM data). Of the individuals with HCM, at least 4 individuals carried a second pathogenic MYBPC3 variant and had early onset disease (LMM data, Millat 2010 PMID: 20624503, Rubattu 2016 PMID: 27483260). Furthermore, the c.1591G>C variant was found by our laboratory to segregate with disease in 2 affected relatives from 1 family. This variant has also been reported by other clinical laboratories in ClinVar (Variation IDs: 164109 (c.1591G>A) and 42550 (c.1591G>C)). Additionally, the c.1591G>A variant has been identified in 0.005% (1/17952) of East Asian and in 0.005% (6/111606) of European chromosomes by gnomAD, while the c.1591G>C variant has been identified in 0.003% (4/127020) of European chromosomes and 0.004% (1/24164) of African chromosomes in gnomAD. A functional study in which the c.1591G>C (p.Gly531Arg) variant was transfected into MYBPC3 knockout mouse cardiomyocytes alone and in combination with wild-type MYBPC3 (to represent homozygous and heterozygous disease states) revealed abnormal contractile force in both scenarios compared to wild-type (Wijnker 2016 PMID: 27108529). Computational prediction tools and conservation analysis also suggest that the variant may impact the protein. In summary, although additional studies are required to fully establish its clinical significance, this variant meets criteria to be classified as likely pathogenic for autosomal dominant HCM. ACMG/AMP Criteria applied: PS4_Moderate, PM2_Supporting, PS3_Moderate, PP3.

Mayo Clinic Laboratories, Mayo Clinic
Classification: Likely pathogenic. Last evaluated: 2018-04-23. Review status: criteria provided, single submitter. Criteria: ACMG Guidelines, 2015. Collection method: clinical testing. Allele origin: germline.
Comment: PP3, PM2, PS3_supporting, PS4_moderate

Clinical Genetics Service, Universitary Hospital 12 de Octubre
Classification: Likely pathogenic for Hypertrophic cardiomyopathy 4. Review status: criteria provided, single submitter. Criteria: ACMG Guidelines, 2015. Collection method: clinical testing. Allele origin: germline. Affected: yes.

Juno Genomics, Hangzhou Juno Genomics, Inc
Classification: Likely pathogenic for Hypertrophic cardiomyopathy 4. Review status: criteria provided, single submitter. Criteria: ACMG Guidelines, 2015. Collection method: clinical testing. Allele origin: germline.
Comment: Absent from controls (or at extremely low frequency if recessive) in Genome Aggregation Database.;The prevalence of the variant in affected individuals is significantly increased compared to the prevalence in controls.;Patient's phenotype or family history is highly specific for a disease with a single genetic etiology.;Multiple lines of computational evidence support a deleterious effect on the gene or gene product.

Clinical Genetics DNA and cytogenetics Diagnostics Lab, Erasmus MC, Erasmus Medical Center
Classification: Likely pathogenic. Review status: no assertion criteria provided. Collection method: clinical testing. Allele origin: germline. Affected: yes. Study: VKGL Data-share Consensus. Not counted in ClinVar's aggregate classification.

Joint Genome Diagnostic Labs from Nijmegen and Maastricht, Radboudumc and MUMC+
Classification: Likely pathogenic. Review status: no assertion criteria provided. Collection method: clinical testing. Allele origin: germline. Affected: yes. Study: VKGL Data-share Consensus. Not counted in ClinVar's aggregate classification.

Laboratory of Diagnostic Genome Analysis, Leiden University Medical Center (LUMC)
Classification: Likely pathogenic. Review status: no assertion criteria provided. Collection method: clinical testing. Allele origin: germline. Affected: yes. Study: VKGL Data-share Consensus. Not counted in ClinVar's aggregate classification.

Literature cited by the submitters: PubMed 16858239 (cited by 6 submitters); PubMed 18533079 (cited by 7 submitters); PubMed 19150014 (cited by 5 submitters); PubMed 20173211 (cited by 3 submitters); PubMed 21750094 (cited by 9 submitters); PubMed 23549607 (cited by Women's Health and Genetics/Laboratory Corporation of America, LabCorp); PubMed 23690394 (cited by Women's Health and Genetics/Laboratory Corporation of America, LabCorp and Laboratory for Molecular Medicine, Mass General Brigham Personalized Medicine); PubMed 22765922 (cited by 5 submitters); PubMed 20594303 (cited by Women's Health and Genetics/Laboratory Corporation of America, LabCorp); PubMed 23508784 (cited by 5 submitters); PubMed 33673806 (cited by 6 submitters); PubMed 20624503 (cited by 5 submitters); PubMed 27483260 (cited by 6 submitters); PubMed 27532257 (cited by 7 submitters); PubMed 27600940 (cited by Labcorp Genetics (formerly Invitae), Labcorp and Laboratory for Molecular Medicine, Mass General Brigham Personalized Medicine); PubMed 28356264 (cited by 6 submitters); PubMed 31941943 (cited by Labcorp Genetics (formerly Invitae), Labcorp and Victorian Clinical Genetics Services, Murdoch Childrens Research Institute); PubMed 36291626 (cited by 3 submitters); PubMed 27108529 (cited by 7 submitters); PubMed 21835320 (cited by 5 submitters); PubMed 32369506 (cited by Color Diagnostics, LLC DBA Color Health and All of Us Research Program, National Institutes of Health); PubMed 33495597 (cited by Color Diagnostics, LLC DBA Color Health and All of Us Research Program, National Institutes of Health); PubMed 33782553 (cited by Color Diagnostics, LLC DBA Color Health); PubMed 38259611 (cited by Color Diagnostics, LLC DBA Color Health); PubMed 38938358 (cited by Color Diagnostics, LLC DBA Color Health); PubMed 20031602 (cited by Ambry Genetics and Illumina Laboratory Services, Illumina); PubMed 25351510 (cited by Ambry Genetics and Illumina Laboratory Services, Illumina); PubMed 24793961 (cited by Victorian Clinical Genetics Services, Murdoch Childrens Research Institute and Illumina Laboratory Services, Illumina); PubMed 28798025 (cited by Victorian Clinical Genetics Services, Murdoch Childrens Research Institute); PubMed 32841044 (cited by Victorian Clinical Genetics Services, Murdoch Childrens Research Institute); PubMed 28193612 (cited by Laboratory for Molecular Medicine, Mass General Brigham Personalized Medicine); PubMed 28241245 (cited by Laboratory for Molecular Medicine, Mass General Brigham Personalized Medicine).